The following is an entry in ClinVar:

ClinVar aggregate classification (germline): Uncertain significance (1 of 4 stars; one submission).

Submission:

Women's Health and Genetics/Laboratory Corporation of America, LabCorp
Classification: Uncertain significance. Last evaluated: 2025-04-22. Review status: criteria provided, single submitter. Criteria: LabCorp Variant Classification Summary - May 2015. Collection method: clinical testing. Allele origin: germline.
Comment: Variant summary: The variant involves the duplication of exon 49 in the DMD gene. A presumed nomenclature of c.(7098+1_7099-1)_(7200+1_7201-1)dup has been designated for the purposes of this classification. It is assumed to be a tandem duplication in direct orientation (PMIDs: 25640679, 30054569). This Copy Number Variant (CNV) is predicted to result in an in-frame duplication within this gene. The variant was absent in 16117 control chromosomes. c.(7098+1_7099-1)_(7200+1_7201-1)dup has been observed in individual(s) affected with Duchenne Muscular Dystrophy or female carriers (e.g. Ishmukhametova_2012, Alame_2016, Cardone_2023, Wijekoon_2024). These data indicate that the variant may be associated with disease. To our knowledge, no experimental evidence demonstrating an impact on protein function has been reported. The following publications have been ascertained in the context of this evaluation (PMID: 27425820, 38195599, 37858263, 22510846). ClinVar contains an entry for this variant (Variation ID: 3242712). Based on the evidence outlined above, the variant was classified as VUS-possibly pathogenic.

Literature cited by the submitters: PubMed 22510846; PubMed 27425820; PubMed 37858263; PubMed 38195599.

NC_000023.10:g.(31838201_31854834)_(31854937_31893304)dup

Gene: DMD (dystrophin; minus strand). Cytogenetic location: Xp21.1.
Variant type: Duplication.
Identifiers: ClinVar variation 3896685 (VCV003896685.2).